The following is an entry in ClinVar:

NM_000535.7(PMS2):c.2402C>A (p.Ser801Tyr)

Gene: PMS2 (PMS1 homolog 2, mismatch repair system component; minus strand). Cytogenetic location: 7p22.1.
Variant type: single nucleotide variant.
Coding change: c.2402C>A on transcript NM_000535.7 (MANE Select); coding-DNA position 2402, C replaced by A.
Protein change: p.Ser801Tyr; replaces serine 801 with tyrosine.
Molecular consequence: missense variant. On other transcripts: non-coding transcript variant (1).
Genome position (GRCh38, 1-based): chr7:5,977,631, G>T on the plus strand (C>A on the coding strand, the complement: PMS2 is on the minus strand). VCF-style: chr7-5977631-G-T. GRCh37 (hg19) VCF-style: chr7-6017262-G-T.
Other names: c.1997C>A, p.Ser666Tyr (NM_001322003.2, NM_001322004.2, NM_001322005.2 and 11 more transcripts); c.2246C>A, p.Ser749Tyr (NM_001322006.2); c.2084C>A, p.Ser695Tyr (NM_001322007.2, NM_001322008.2, NM_001406883.1); c.2030C>A, p.Ser677Tyr (NM_001322009.2, NM_001406887.1, NM_001406888.1); c.1841C>A, p.Ser614Tyr (NM_001322010.2, NM_001406906.1, NM_001406907.1); c.1469C>A, p.Ser490Tyr (NM_001322011.2, NM_001322012.2); c.1829C>A, p.Ser610Tyr (NM_001322013.2, NM_001406908.1, NM_001406909.1); c.2435C>A, p.Ser812Tyr (NM_001322014.2); and 20 more; short protein forms S630Y, S689Y, S698Y, S745Y, S760Y, S765Y, S544Y, S614Y.
Identifiers: ClinVar variation 3890994 (VCV003890994.1).
Genomic context (GRCh38, chr7:5,977,631, plus strand): 5'-AGGCTTTCTTTACTTACCGACTTCCGGCAGGCTCTGGAGGCAAACATCTGCTTGACTCGG[G>T]AAGGCCGGCACATGACCCCAGGGCTGTCGCTCAGCATGAAGATCAGTTCATCGACGTCCT-3'
Protein context (NP_000526.2, residues 791-811): SDSPGVMCRP[Ser801Tyr]RVKQMFASRA

ClinVar aggregate classification (germline): Uncertain significance (1 of 4 stars; one submission).

Conditions:
Hereditary cancer-predisposing syndrome. Also called: Tumor predisposition; Neoplastic Syndromes, Hereditary; Hereditary Cancer Syndrome; Hereditary neoplastic syndrome. Identifiers: Orphanet 140162, MedGen C0027672, MeSH D009386, MONDO:0015356.

Submission:

Ambry Genetics
Classification: Uncertain significance for Hereditary cancer-predisposing syndrome. Last evaluated: 2025-01-24. Review status: criteria provided, single submitter. Criteria: Ambry Variant Classification Scheme 2023. Collection method: clinical testing. Allele origin: germline.
Comment: The p.S801Y variant (also known as c.2402C>A), located in coding exon 14 of the PMS2 gene, results from a C to A substitution at nucleotide position 2402. The serine at codon 801 is replaced by tyrosine, an amino acid with dissimilar properties. This amino acid position is conserved. In addition, this alteration is predicted to be deleterious by in silico analysis. Based on the available evidence, the clinical significance of this variant remains unclear.